The following is an entry in ClinVar:

NM_001875.5(CPS1):c.1531C>T (p.Gln511Ter)

Gene: CPS1 (carbamoyl-phosphate synthase 1; plus strand). Cytogenetic location: 2q34.
Variant type: single nucleotide variant.
Coding change: c.1531C>T on transcript NM_001875.5 (MANE Select); coding-DNA position 1531, C replaced by T.
Protein change: p.Gln511Ter; replaces glutamine 511 with a stop codon.
Molecular consequence: nonsense. On other transcripts: non-coding transcript variant (2).
Genome position (GRCh38, 1-based): chr2:210,599,543, C>T. VCF-style: chr2-210599543-C-T. GRCh37 (hg19) VCF-style: chr2-211464267-C-T.
Other names: c.1531C>T, p.Gln511Ter (NM_001122633.3, NM_001369257.1); c.1564C>T, p.Gln522Ter (NM_001369256.1); short protein forms Q511*, Q522*.
Identifiers: ClinVar variation 4814944 (VCV004814944.1).

ClinVar aggregate classification (germline): Likely pathogenic (1 of 4 stars; one submission).

Conditions:
Congenital hyperammonemia, type I. Also called: Carbamoyl phosphate synthetase I deficiency disease; CPS I DEFICIENCY; Carbamoyl phosphate synthetase 1 deficiency; Hyperammonemia due to carbamoyl phosphate synthetase 1 deficiency; CPS 1 deficiency; Carbamyl phosphate synthetase (CPS) deficiency. Identifiers: Orphanet 147, MedGen C4082171, MONDO:0009376, OMIM 237300.

Submission:

Natera, Inc.
Classification: Likely pathogenic for Carbamoyl-phosphate synthase I deficiency. Last evaluated: 2024-12-03. Review status: criteria provided, single submitter. Criteria: Natera Variant Classification Schema (03/2026). Collection method: clinical testing. Allele origin: germline.
Comment: The c.1531C>T variant in CPS1 is a nonsense variant predicted to introduce a stop codon at amino acid 511. This variant is expected to result in nonsense mediated decay, truncation, or a dysfunctional protein product. This variant is rare in the general population with a frequency below the threshold expected for the associated phenotype(s). Given the available evidence, this variant is classified as Likely Pathogenic.